The following is an entry in ClinVar:

ClinVar aggregate classification (germline): Uncertain significance (1 of 4 stars; one submission).

Allele frequency attached by ClinVar (database versions not stated): gnomAD exomes below 0.00001.
gnomAD v4.1: 1 of 1,613,880 alleles (0.000062%); highest among the groups gnomAD compares: Non-Finnish European, 0.000085%; no homozygotes.

Submission:

Labcorp Genetics (formerly Invitae), Labcorp
Classification: Uncertain significance. Last evaluated: 2024-10-17. Review status: criteria provided, single submitter. Criteria: Invitae Variant Classification Sherloc (09022015). Collection method: clinical testing. Allele origin: germline.
Comment: This sequence change replaces serine, which is neutral and polar, with threonine, which is neutral and polar, at codon 893 of the NFKB1 protein (p.Ser893Thr). This variant is present in population databases (no rsID available, gnomAD 0.006%). This variant has not been reported in the literature in individuals affected with NFKB1-related conditions. ClinVar contains an entry for this variant (Variation ID: 1911524). An algorithm developed to predict the effect of missense changes on protein structure and function outputs the following: PolyPhen-2: "Benign". The threonine amino acid residue is found in multiple mammalian species, which suggests that this missense change does not adversely affect protein function. In summary, the available evidence is currently insufficient to determine the role of this variant in disease. Therefore, it has been classified as a Variant of Uncertain Significance.

NM_003998.4(NFKB1):c.2677T>A (p.Ser893Thr)

Gene: NFKB1 (nuclear factor kappa B subunit 1; plus strand). Cytogenetic location: 4q24.
Variant type: single nucleotide variant.
Coding change: c.2677T>A on transcript NM_003998.4 (MANE Select); coding-DNA position 2677, T replaced by A.
Protein change: p.Ser893Thr; replaces serine 893 with threonine.
Molecular consequence: missense variant.
Genome position (GRCh38, 1-based): chr4:102,613,509, T>A. VCF-style: chr4-102613509-T-A. GRCh37 (hg19) VCF-style: chr4-103534666-T-A.
Other names: c.2674T>A, p.Ser892Thr (NM_001165412.2, NM_001319226.2, NM_001382627.1); c.2677T>A, p.Ser893Thr (NM_001382625.1, NM_001382626.1); c.2635T>A, p.Ser879Thr (NM_001382628.1); short protein forms S879T, S892T, S893T.
Identifiers: ClinVar variation 1911524 (VCV001911524.5), dbSNP rs1465085480, ClinGen allele CA357755128.
Genomic context (GRCh38, chr4:102,613,509, plus strand): 5'-CTGGTGGAGGCCCTGAGACAAATGGGCTACACCGAAGCAATTGAAGTGATCCAGGCAGCC[T>A]CCAGCCCAGTGAAGACCACCTCTCAGGCCCACTCGCTGCCTCTCTCGCCTGCCTCCACAA-3'
Protein context (NP_003989.2, residues 883-903): TEAIEVIQAA[Ser893Thr]SPVKTTSQAH